The following is an entry in ClinVar:

NM_001127898.4(CLCN5):c.807dup (p.Leu270fs)

Gene: CLCN5 (Cl-/H+ antiporter 5; plus strand). Cytogenetic location: Xp11.23.
Variant type: Duplication.
Coding change: c.807dup on transcript NM_001127898.4 (MANE Select); coding-DNA position 807, one base duplicated (G; older notation c.807dupG).
Protein change: p.Leu270fs; shifts the reading frame from leucine 270.
Molecular consequence: frameshift variant. On other transcripts: non-coding transcript variant (1).
Genome position (GRCh38, 1-based): chrX:50,081,721, G duplicated. VCF-style (leftmost placement, unchanged base first): chrX-50081720-T-TG. GRCh37 (hg19) VCF-style: chrX-49846377-T-TG.
Other names: c.597dup, p.Leu200fs (NM_000084.5); c.807dup, p.Leu270fs (NM_001127899.4); c.657dup, p.Leu220fs (NM_001282163.2); c.819dup, p.Leu274fs (NM_001440756.1, NM_001440757.1); short protein forms L200fs, L220fs, L270fs, L274fs.
Identifiers: ClinVar variation 5038138 (VCV005038138.1).

ClinVar aggregate classification (germline): Pathogenic (1 of 4 stars; one submission).

Conditions:
Dent disease type 1 (DENT1). Also called: NEPHROLITHIASIS 2; NEPHROLITHIASIS, HYPERCALCIURIC, X-LINKED. Identifiers: Orphanet 1652, Orphanet 93622, MedGen C1848336, MONDO:0010225, OMIM 300009.

Submission:

MVZ Medizinische Genetik Mainz
Classification: Pathogenic for Dent disease type 1. Last evaluated: 2026-08-19. Review status: criteria provided, single submitter. Criteria: UK Practice Guidelines For Variant Classification V4 01 2020. Collection method: clinical testing. Allele origin: germline. Inheritance: X-linked recessive inheritance. Affected: yes. Observed: 1 variant allele.
Comment: ACMG Criteria: PVS1,PM2_SUP,PP4